The following is an entry in ClinVar:

ClinVar aggregate classification (germline): Conflicting classifications of pathogenicity. Review status: criteria provided, conflicting classifications (1 of 4 stars). 3 submissions from 3 submitters: Uncertain significance (2); Benign (1). Last evaluated 2025-09-17.

Conditions:
Idiopathic generalized epilepsy. Also called: Generalised epilepsy; EIG. Identifiers: MedGen C0270850, MONDO:0005579, OMIM 600669.
Hyperaldosteronism, familial, type IV (HALD4). Also called: FH IV; ALDOSTERONISM, PRIMARY, AND HYPERTENSION. Identifiers: Orphanet 642671, MedGen C4310756, MONDO:0014875, OMIM 617027.
Inborn genetic diseases. Identifiers: MedGen C0950123, MeSH D030342.

Allele frequency attached by ClinVar (database versions not stated): gnomAD 0.00014 and 0.00013; ESP Exome Variant Server 0.00016; gnomAD exomes 0.00003; TOPMed 0.00013.
gnomAD v4.1: 66 of 1,553,134 alleles (0.0042%); highest among the groups gnomAD compares: African/African-American, 0.03%; no homozygotes.

Submissions (3):

Labcorp Genetics (formerly Invitae), Labcorp
Classification: Benign for Idiopathic generalized epilepsy; Hyperaldosteronism, familial, type IV. Last evaluated: 2025-09-17. Review status: criteria provided, single submitter. Criteria: Invitae Variant Classification Sherloc (09022015). Collection method: clinical testing. Allele origin: germline.

Women's Health and Genetics/Laboratory Corporation of America, LabCorp
Classification: Uncertain significance. Last evaluated: 2024-10-07. Review status: criteria provided, single submitter. Criteria: LabCorp Variant Classification Summary - May 2015. Collection method: clinical testing. Allele origin: germline.
Comment: Variant summary: CACNA1H c.5665G>A (p.Gly1889Arg) results in a non-conservative amino acid change in the encoded protein sequence. Three of five in-silico tools predict a benign effect of the variant on protein function. The variant allele was found at a frequency of 3.1e-05 in 159120 control chromosomes. The available data on variant occurrences in the general population are insufficient to allow any conclusion about variant significance. To our knowledge, no occurrence of c.5665G>A in individuals affected with Idiopathic Generalized Epilepsy and no experimental evidence demonstrating its impact on protein function have been reported. ClinVar contains an entry for this variant (Variation ID: 847473). Based on the evidence outlined above, the variant was classified as uncertain significance.

Ambry Genetics
Classification: Uncertain significance for Inborn genetic diseases. Last evaluated: 2024-09-26. Review status: criteria provided, single submitter. Criteria: Ambry Variant Classification Scheme 2023. Collection method: clinical testing. Allele origin: germline.

NM_021098.3(CACNA1H):c.5665G>A (p.Gly1889Arg)

Gene: CACNA1H (calcium voltage-gated channel subunit alpha1 H; plus strand). Cytogenetic location: 16p13.3.
Variant type: single nucleotide variant.
Coding change: c.5665G>A on transcript NM_021098.3 (MANE Select); coding-DNA position 5665, G replaced by A.
Protein change: p.Gly1889Arg; replaces glycine 1889 with arginine.
Molecular consequence: missense variant.
Genome position (GRCh38, 1-based): chr16:1,218,429, G>A. VCF-style: chr16-1218429-G-A. GRCh37 (hg19) VCF-style: chr16-1268429-G-A.
Other names: c.5647G>A, p.Gly1883Arg (NM_001005407.2); short protein forms G1883R, G1889R.
Identifiers: ClinVar variation 847473 (VCV000847473.9), dbSNP rs201018826, ClinGen allele CA7802094.